The following is an entry in ClinVar:

ClinVar aggregate classification (germline): Pathogenic (1 of 4 stars; one submission).

Conditions:
Arrhythmogenic cardiomyopathy with wooly hair and keratoderma. Also called: PALMOPLANTAR KERATODERMA WITH LEFT VENTRICULAR CARDIOMYOPATHY AND WOOLLY HAIR; Carvajal syndrome; Arrhythmogenic cardiomyopathy with woolly hair and keratoderma; Dilated cardiomyopathy with woolly hair and keratoderma. Identifiers: Orphanet 65282, MedGen C1854063, MONDO:0011581, OMIM 605676.
Arrhythmogenic right ventricular dysplasia 8 (ARVD8). Also called: Arrhythmogenic Right Ventricular Dysplasia/Cardiomyopathy 8; ARRHYTHMOGENIC RIGHT VENTRICULAR CARDIOMYOPATHY 8; ARRHYTHMOGENIC RIGHT VENTRICULAR DYSPLASIA, FAMILIAL, 8. Identifiers: MedGen C1843896, MONDO:0011831, OMIM 607450.

Submission:

Labcorp Genetics (formerly Invitae), Labcorp
Classification: Pathogenic for Arrhythmogenic cardiomyopathy with wooly hair and keratoderma; Arrhythmogenic right ventricular dysplasia 8. Last evaluated: 2023-02-07. Review status: criteria provided, single submitter. Criteria: Invitae Variant Classification Sherloc (09022015). Collection method: clinical testing. Allele origin: germline.
Comment: For these reasons, this variant has been classified as Pathogenic. This variant has not been reported in the literature in individuals affected with DSP-related conditions. This variant is not present in population databases (gnomAD no frequency). This sequence change creates a premature translational stop signal (p.Leu1037Trpfs*46) in the DSP gene. It is expected to result in an absent or disrupted protein product. Loss-of-function variants in DSP are known to be pathogenic (PMID: 20716751, 24503780, 25227139).

Literature cited by the submitters: PubMed 20716751; PubMed 24503780; PubMed 25227139.

NM_004415.4(DSP):c.3110del (p.Leu1037fs)

Gene: DSP (desmoplakin; plus strand). Cytogenetic location: 6p24.3.
Variant type: Deletion.
Coding change: c.3110del on transcript NM_004415.4 (MANE Select); coding-DNA position 3110, one base deleted (T; older notation c.3110delT).
Protein change: p.Leu1037fs; shifts the reading frame from leucine 1037.
Molecular consequence: frameshift variant.
Genome position (GRCh38, 1-based): chr6:7,579,300, T deleted; the last of 4 consecutive T bases (chr6:7,579,297-7,579,300); deleting any one gives the same sequence. VCF-style (leftmost placement, unchanged base first): chr6-7579296-GT-G. GRCh37 (hg19) VCF-style: chr6-7579529-GT-G.
Other names: c.3110del, p.Leu1037fs (NM_001008844.3, NM_001319034.2); short protein forms L1037fs.
Identifiers: ClinVar variation 2023625 (VCV002023625.4), dbSNP rs2533922225, ClinGen allele CA2580075392.